The following is an entry in ClinVar:

NM_000216.4(ANOS1):c.1055C>T (p.Thr352Met)

Gene: ANOS1 (anosmin 1; minus strand). Cytogenetic location: Xp22.31.
Variant type: single nucleotide variant.
Coding change: c.1055C>T on transcript NM_000216.4 (MANE Select); coding-DNA position 1055, C replaced by T.
Protein change: p.Thr352Met; replaces threonine 352 with methionine.
Molecular consequence: missense variant.
Genome position (GRCh38, 1-based): chrX:8,570,506, G>A on the plus strand (C>T on the coding strand, the complement: ANOS1 is on the minus strand). VCF-style: chrX-8570506-G-A. GRCh37 (hg19) VCF-style: chrX-8538547-G-A.
Other names: short protein forms T352M.
Identifiers: ClinVar variation 3704303 (VCV003704303.2).

ClinVar aggregate classification (germline): Uncertain significance (1 of 4 stars; one submission).

Conditions:
Hypogonadotropic hypogonadism 1 with or without anosmia (HH1). Also called: Kallmann syndrome, type 1, X-linked; DYSPLASIA OLFACTOGENITALIS OF DE MORSIER; HYPOGONADOTROPIC HYPOGONADISM AND ANOSMIA; HYPOGONADOTROPIC HYPOGONADISM 1 WITH ANOSMIA; KAL1-Related GnRH Deficiency (Kallmann Syndrome 1; Kallmann Syndrome, X-Linked); Hypogonadotropic hypogonadism 1 with or without anosmia (Kallmann syndrome 1). Identifiers: Orphanet 478, MedGen C1563719, MONDO:0010635, OMIM 308700. Disease mechanism: loss of function.

gnomAD v4.1: 8 of 1,206,128 alleles (0.00066%); highest among the groups gnomAD compares: South Asian, 0.007%; no homozygotes.

Submission:

Labcorp Genetics (formerly Invitae), Labcorp
Classification: Uncertain significance for Hypogonadotropic hypogonadism 1 with or without anosmia. Last evaluated: 2025-09-03. Review status: criteria provided, single submitter. Criteria: Invitae Variant Classification Sherloc (09022015). Collection method: clinical testing. Allele origin: germline.
Comment: This sequence change replaces threonine, which is neutral and polar, with methionine, which is neutral and non-polar, at codon 352 of the ANOS1 protein (p.Thr352Met). The frequency data for this variant in the population databases is considered unreliable, as metrics indicate poor data quality at this position in the gnomAD database. This variant has not been reported in the literature in individuals affected with ANOS1-related conditions. ClinVar contains an entry for this variant (Variation ID: 3704303). Invitae Evidence Modeling of protein sequence and biophysical properties (such as structural, functional, and spatial information, amino acid conservation, physicochemical variation, residue mobility, and thermodynamic stability) indicates that this missense variant is expected to disrupt ANOS1 protein function with a positive predictive value of 80%. In summary, the available evidence is currently insufficient to determine the role of this variant in disease. Therefore, it has been classified as a Variant of Uncertain Significance.